The following is an entry in ClinVar:

NM_000218.3(KCNQ1):c.1015T>G (p.Phe339Val)

Gene: KCNQ1 (potassium voltage-gated channel subfamily Q member 1; plus strand). Cytogenetic location: 11p15.5.
Variant type: single nucleotide variant.
Coding change: c.1015T>G on transcript NM_000218.3 (MANE Select); coding-DNA position 1015, T replaced by G.
Protein change: p.Phe339Val; replaces phenylalanine 339 with valine.
Molecular consequence: missense variant.
Genome position (GRCh38, 1-based): chr11:2,583,528, T>G. VCF-style: chr11-2583528-T-G. GRCh37 (hg19) VCF-style: chr11-2604758-T-G.
Other names: c.1015T>G, p.Phe339Val (NM_001406836.1); c.745T>G, p.Phe249Val (NM_001406837.1); c.571T>G, p.Phe191Val (NM_001406838.1); c.634T>G, p.Phe212Val (NM_181798.2); short protein forms F191V, F212V, F249V, F339V.
Identifiers: ClinVar variation 3070460 (VCV003070460.2), dbSNP rs2133750928, ClinGen allele CA379133112.
Genomic context (GRCh38, chr11:2,583,528, plus strand): 5'-GTGCCCCAGACGTGGGTCGGGAAGACCATCGCCTCCTGCTTCTCTGTCTTTGCCATCTCC[T>G]TCTTTGCGCTCCCAGCGGTAGGTGCCCCGTGGGTGCGTTTTCCCTGGCTCCTTGGACAGC-3'
Protein context (NP_000209.2, residues 329-349): ASCFSVFAIS[Phe339Val]FALPAGILGS

ClinVar aggregate classification (germline): Conflicting classifications of pathogenicity. Review status: criteria provided, conflicting classifications (1 of 4 stars). 2 submissions from 2 submitters: Pathogenic (1); Uncertain significance (1). Last evaluated 2024-03-05.

Conditions:
KCNQ1-related disorder. Also called: KCNQ1-related disorders; KCNQ1-related condition. Identifiers: MedGen CN239322.
Long QT syndrome (LQTS). Identifiers: MedGen C0023976, MeSH D008133, MONDO:0002442. Disease mechanism: loss of function. Inheritance: Various modes of inheritance.

Submissions (2):

Blueprint Genetics
Classification: Pathogenic for KCNQ1-related disorders. Last evaluated: 2024-03-05. Review status: criteria provided, single submitter. Criteria: ACMG Guidelines, 2015. Collection method: clinical testing. Allele origin: germline. Affected: yes. Observed: 1 variant allele.

All of Us Research Program, National Institutes of Health
Classification: Uncertain significance for Long QT syndrome. Last evaluated: 2023-04-10. Review status: criteria provided, single submitter. Criteria: ACMG Guidelines, 2015. Collection method: clinical testing. Allele origin: germline. Inheritance: Autosomal dominant inheritance. Observed: 1 variant allele, 1 heterozygote.
Comment: This missense variant replaces phenylalanine with valine at codon 339 of the KCNQ1 protein. Computational prediction suggests that this variant may have deleterious impact on protein structure and function (internally defined REVEL score threshold >= 0.7, PMID: 27666373). To our knowledge, functional studies have not been reported for this variant. This variant has not been reported in individuals affected with KCNQ1-related disorders in the literature. This variant has not been identified in the general population by the Genome Aggregation Database (gnomAD). The available evidence is insufficient to determine the role of this variant in disease conclusively. Therefore, this variant is classified as a Variant of Uncertain Significance.

This study involves interpretation of variants in research participants for the purpose of population health screening. Participant phenotype was not available at the time of variant classification. Additional details can be found in publication PMID: 35346344, PMCID: PMC8962531